The following is an entry in ClinVar:

ClinVar aggregate classification (germline): Likely pathogenic (1 of 4 stars; one submission).

Conditions:
Neuropathy, hereditary sensory and autonomic, type 2A (HSAN2A). Also called: ACROOSTEOLYSIS, GIACCAI TYPE; ACROOSTEOLYSIS, NEUROGENIC; MORVAN DISEASE; NEUROPATHY, CONGENITAL SENSORY; NEUROPATHY, HEREDITARY SENSORY RADICULAR, AUTOSOMAL RECESSIVE; NEUROPATHY, HEREDITARY SENSORY, TYPE IIA. Identifiers: Orphanet 970, MedGen C2752089, MONDO:0024309, OMIM 201300.
Pseudohypoaldosteronism type 2C (PHA2C). Also called: Pseudohypoaldosteronism Type IIC. Identifiers: Orphanet 757, Orphanet 88940, MedGen C1840391, MONDO:0013778, OMIM 614492.

Submission:

Labcorp Genetics (formerly Invitae), Labcorp
Classification: Likely pathogenic for Neuropathy, hereditary sensory and autonomic, type 2A; Pseudohypoaldosteronism type 2C. Last evaluated: 2022-08-20. Review status: criteria provided, single submitter. Criteria: Invitae Variant Classification Sherloc (09022015). Collection method: clinical testing. Allele origin: germline.
Comment: This sequence change affects an acceptor splice site in intron 18 of the WNK1 gene. It is expected to disrupt RNA splicing. Variants that disrupt the donor or acceptor splice site typically lead to a loss of protein function (PMID: 16199547), and loss-of-function variants in WNK1 are known to be pathogenic (PMID: 22910560). This variant is not present in population databases (gnomAD no frequency). This variant has not been reported in the literature in individuals affected with WNK1-related conditions. Algorithms developed to predict the effect of sequence changes on RNA splicing suggest that this variant may disrupt the consensus splice site. In summary, the currently available evidence indicates that the variant is pathogenic, but additional data are needed to prove that conclusively. Therefore, this variant has been classified as Likely Pathogenic.

Literature cited by the submitters: PubMed 16199547; PubMed 22910560.

NM_018979.4(WNK1):c.3845-2A>G

Gene: WNK1 (WNK lysine deficient protein kinase 1; plus strand). Cytogenetic location: 12p13.33.
Variant type: single nucleotide variant.
Coding change: c.3845-2A>G on transcript NM_018979.4 (MANE Select); the canonical splice acceptor site of the intron before coding-DNA position 3845, A replaced by G.
Molecular consequence: splice acceptor variant.
Genome position (GRCh38, 1-based): chr12:884,647, A>G. VCF-style: chr12-884647-A-G. GRCh37 (hg19) VCF-style: chr12-993813-A-G.
Other names: c.4601-2A>G (NM_213655.5); c.4625-2A>G (NM_001184985.2); c.3104-2A>G (NM_014823.3).
Identifiers: ClinVar variation 2025328 (VCV002025328.4), dbSNP rs2549037336, ClinGen allele CA383330019.